The following is an entry in ClinVar:

NM_018417.6(ADCY10):c.1153G>A (p.Gly385Ser)

Genes: ADCY10 (adenylate cyclase 10; minus strand), DCAF6 (DDB1 and CUL4 associated factor 6; plus strand). Cytogenetic location: 1q24.2.
Variant type: single nucleotide variant.
Coding change: c.1153G>A on transcript NM_018417.6 (MANE Select); coding-DNA position 1153, G replaced by A.
Protein change: p.Gly385Ser; replaces glycine 385 with serine.
Molecular consequence: missense variant.
Genome position (GRCh38, 1-based): chr1:167,880,178, C>T on the plus strand (G>A on the coding strand, the complement: ADCY10 is on the minus strand). VCF-style: chr1-167880178-C-T. GRCh37 (hg19) VCF-style: chr1-167849416-C-T.
Other names: c.694G>A, p.Gly232Ser (NM_001167749.3); c.877G>A, p.Gly293Ser (NM_001297772.2); short protein forms G232S, G385S, G293S.
Identifiers: ClinVar variation 2054527 (VCV002054527.4), dbSNP rs148550451, ClinGen allele CA1228045.

ClinVar aggregate classification (germline): Uncertain significance (1 of 4 stars; one submission).

Allele frequency attached by ClinVar (database versions not stated): ExAC 0.00011; 1000 Genomes Project 30x 0.00016; ESP Exome Variant Server 0.00023; TOPMed 0.00027; gnomAD 0.00019; 1000 Genomes Project 0.00020; gnomAD exomes 0.00011.
gnomAD v4.1: 194 of 1,612,896 alleles (0.012%); highest among the groups gnomAD compares: Admixed American, 0.077%; 1 homozygote.

Submission:

Labcorp Genetics (formerly Invitae), Labcorp
Classification: Uncertain significance. Last evaluated: 2024-08-30. Review status: criteria provided, single submitter. Criteria: Invitae Variant Classification Sherloc (09022015). Collection method: clinical testing. Allele origin: germline.
Comment: This sequence change replaces glycine, which is neutral and non-polar, with serine, which is neutral and polar, at codon 385 of the ADCY10 protein (p.Gly385Ser). This variant is present in population databases (rs148550451, gnomAD 0.06%), and has an allele count higher than expected for a pathogenic variant. This variant has not been reported in the literature in individuals affected with ADCY10-related conditions. ClinVar contains an entry for this variant (Variation ID: 2054527). An algorithm developed to predict the effect of missense changes on protein structure and function (PolyPhen-2) suggests that this variant is likely to be disruptive. Algorithms developed to predict the effect of sequence changes on RNA splicing suggest that this variant may disrupt the consensus splice site. In summary, the available evidence is currently insufficient to determine the role of this variant in disease. Therefore, it has been classified as a Variant of Uncertain Significance.